The following is an entry in ClinVar:

ClinVar aggregate classification (germline): Conflicting classifications of pathogenicity. Review status: criteria provided, conflicting classifications (1 of 4 stars). 3 submissions from 3 submitters: Uncertain significance (1); Likely benign (1). 1 of the submissions does not count toward it. Last evaluated 2026-01-20.

Conditions:
T-cell immunodeficiency, congenital alopecia, and nail dystrophy. Also called: Congenital alopecia and nail dystrophy associated with severe functional T-cell immunodeficiency; Pignata Guarino syndrome. Identifiers: Orphanet 169095, MedGen C1866426, MONDO:0011132, OMIM 601705.
Inborn genetic diseases. Identifiers: MedGen C0950123, MeSH D030342.

Allele frequency attached by ClinVar (database versions not stated): TOPMed 0.00002; gnomAD 0.00003 and 0.00005; ExAC 0.00009; gnomAD exomes 0.00011 and 0.00013; ESP Exome Variant Server 0.00015; 1000 Genomes Project 30x 0.00016; 1000 Genomes Project 0.00020.
gnomAD v4.1: 217 of 1,613,686 alleles (0.013%); highest among the groups gnomAD compares: South Asian, 0.045%; 1 homozygote.

Submissions (3):

Labcorp Genetics (formerly Invitae), Labcorp
Classification: Likely benign for T-cell immunodeficiency, congenital alopecia, and nail dystrophy. Last evaluated: 2026-01-20. Review status: criteria provided, single submitter. Criteria: Invitae Variant Classification Sherloc (09022015). Collection method: clinical testing. Allele origin: germline.

Ambry Genetics
Classification: Uncertain significance for Inborn genetic diseases. Last evaluated: 2023-10-05. Review status: criteria provided, single submitter. Criteria: Ambry Variant Classification Scheme 2023. Collection method: clinical testing. Allele origin: germline.

Department of Pathology and Laboratory Medicine, Sinai Health System
Classification: Likely benign. Review status: no assertion criteria provided. Collection method: clinical testing. Allele origin: unknown. Affected: yes. Study: The Canadian Open Genetics Repository (COGR). Not counted in ClinVar's aggregate classification.
Comment: The FOXN1 p.Arg411Gln variant was not identified in the literature nor was it identified in ClinVar, Cosmic, or LOVD 3.0. The variant was identified in dbSNP (ID: rs373908977) and in control databases in 29 of 279436 chromosomes (1 homozygous) at a frequency of 0.000104 (Genome Aggregation Database Feb 27, 2017). The variant was observed in the following populations: South Asian in 21 of 30548 chromosomes (freq: 0.000687), European (non-Finnish) in 7 of 126690 chromosomes (freq: 0.000055) and East Asian in 1 of 19916 chromosomes (freq: 0.00005), while the variant was not observed in the African, Latino, Ashkenazi Jewish, European (Finnish) or Other populations. The p.Arg411 residue is conserved in mammals but not in more distantly related organisms and computational analyses (PolyPhen-2, SIFT, AlignGVGD, BLOSUM, MutationTaster) do not suggest a high likelihood of impact to the protein; this information is not predictive enough to rule out pathogenicity. The variant occurs outside of the consensus splicing sequence and 3 of 4 in silico or computational prediction software programs (SpliceSiteFinder, MaxEntScan and GeneSplicer) do not predict a difference in splicing, while one program (NNSplice) predicts a new 3â€šÃ„Ã´ splice site. In summary, based on the above information the clinical significance of this variant cannot be determined with certainty at this time although we would lean towards a more benign role for this variant. This variant is classified as likely benign.

NM_001369369.1(FOXN1):c.1232G>A (p.Arg411Gln)

Gene: FOXN1 (forkhead box N1; plus strand). Cytogenetic location: 17q11.2.
Variant type: single nucleotide variant.
Coding change: c.1232G>A on transcript NM_001369369.1 (MANE Select); coding-DNA position 1232, G replaced by A.
Protein change: p.Arg411Gln; replaces arginine 411 with glutamine.
Molecular consequence: missense variant.
Genome position (GRCh38, 1-based): chr17:28,534,803, G>A. VCF-style: chr17-28534803-G-A. GRCh37 (hg19) VCF-style: chr17-26861821-G-A.
Other names: c.1232G>A, p.Arg411Gln (NM_003593.3); short protein forms R411Q.
Identifiers: ClinVar variation 779696 (VCV000779696.9), dbSNP rs373908977, ClinGen allele CA8459479.